The following is an entry in ClinVar:

NM_001364171.2(ODAD1):c.1514dup (p.Phe507_Glu508insTer)

Gene: ODAD1 (outer dynein arm docking complex subunit 1; minus strand). Cytogenetic location: 19q13.33.
Variant type: Duplication.
Coding change: c.1514dup on transcript NM_001364171.2 (MANE Select); coding-DNA position 1514, one base duplicated (C; older notation c.1514dupC).
Protein change: p.Phe507_Glu508insTer.
Molecular consequence: frameshift variant.
Genome position (GRCh38, 1-based): chr19:48,297,657, G duplicated on the plus strand (C on the coding strand, the reverse complement: ODAD1 is on the minus strand); the first of 6 consecutive G bases (chr19:48,297,657-48,297,662); duplicating any one gives the same sequence. VCF-style (leftmost placement, unchanged base first): chr19-48297656-C-CG. GRCh37 (hg19) VCF-style: chr19-48800913-C-CG.
Other names: c.1403dup, p.Phe470_Glu471insTer (NM_144577.4); c.1403dup (NM_144577.3).
Identifiers: ClinVar variation 580269 (VCV000580269.9), dbSNP rs753915759, ClinGen allele CA9548654.

ClinVar aggregate classification (germline): Pathogenic (1 of 4 stars; one submission).

Conditions:
Primary ciliary dyskinesia. Also called: Ciliary dyskinesia. Identifiers: Orphanet 244, MedGen C0008780, MONDO:0016575, HP:0012265.

Submission:

Labcorp Genetics (formerly Invitae), Labcorp
Classification: Pathogenic for Primary ciliary dyskinesia. Last evaluated: 2024-05-01. Review status: criteria provided, single submitter. Criteria: Invitae Variant Classification Sherloc (09022015). Collection method: clinical testing. Allele origin: germline.
Comment: This sequence change creates a premature translational stop signal (p.Glu471*) in the CCDC114 gene. It is expected to result in an absent or disrupted protein product. Loss-of-function variants in CCDC114 are known to be pathogenic (PMID: 23261302, 23261303). This variant is present in population databases (rs753915759, gnomAD 0.005%). This variant has not been reported in the literature in individuals affected with CCDC114-related conditions. ClinVar contains an entry for this variant (Variation ID: 580269). For these reasons, this variant has been classified as Pathogenic.

Literature cited by the submitters: PubMed 23261302; PubMed 23261303.